The following is an entry in ClinVar:

ClinVar aggregate classification (germline): Uncertain significance. Review status: criteria provided, multiple submitters, no conflicts (2 of 4 stars). 5 submissions from 5 submitters: Uncertain significance (4). 1 of the submissions does not count toward it. Last evaluated 2025-02-04.

Conditions:
Inborn genetic diseases. Identifiers: MedGen C0950123, MeSH D030342.
Fanconi anemia (FA). Also called: Fanconi's anemia. Identifiers: Orphanet 84, MedGen C0015625, MeSH D005199, MONDO:0019391.
Fanconi anemia complementation group A (FANCA). Also called: Fanconi anemia, group A; FANCA-Related Fanconi Anemia. Identifiers: Orphanet 84, MedGen C3469521, MONDO:0009215, OMIM 227650.

Allele frequency attached by ClinVar (database versions not stated): gnomAD 0.00001; gnomAD exomes 0.00001 and 0.00002; TOPMed 0.00001; ExAC 0.00002.
gnomAD v4.1: 9 of 1,613,840 alleles (0.00056%); highest among the groups gnomAD compares: Admixed American, 0.013%; no homozygotes.

Submissions (5):

Labcorp Genetics (formerly Invitae), Labcorp
Classification: Uncertain significance for Fanconi anemia. Last evaluated: 2025-02-04. Review status: criteria provided, single submitter. Criteria: Invitae Variant Classification Sherloc (09022015). Collection method: clinical testing. Allele origin: germline.
Comment: This sequence change replaces leucine, which is neutral and non-polar, with valine, which is neutral and non-polar, at codon 328 of the FANCA protein (p.Leu328Val). This variant is present in population databases (rs779244841, gnomAD 0.02%). This variant has not been reported in the literature in individuals affected with FANCA-related conditions. ClinVar contains an entry for this variant (Variation ID: 972253). Invitae Evidence Modeling of protein sequence and biophysical properties (such as structural, functional, and spatial information, amino acid conservation, physicochemical variation, residue mobility, and thermodynamic stability) has been performed for this missense variant. However, the output from this modeling did not meet the statistical confidence thresholds required to predict the impact of this variant on FANCA protein function. In summary, the available evidence is currently insufficient to determine the role of this variant in disease. Therefore, it has been classified as a Variant of Uncertain Significance.

Ambry Genetics
Classification: Uncertain significance for Inborn genetic diseases. Last evaluated: 2024-11-30. Review status: criteria provided, single submitter. Criteria: Ambry Variant Classification Scheme 2023. Collection method: clinical testing. Allele origin: germline.
Comment: The p.L328V variant (also known as c.982C>G), located in coding exon 11 of the FANCA gene, results from a C to G substitution at nucleotide position 982. The leucine at codon 328 is replaced by valine, an amino acid with highly similar properties. This amino acid position is conserved. In addition, this alteration is predicted to be tolerated by in silico analysis. Based on the available evidence, the clinical significance of this variant remains unclear.

Quest Diagnostics Nichols Institute San Juan Capistrano
Classification: Uncertain significance. Last evaluated: 2024-11-13. Review status: criteria provided, single submitter. Criteria: Quest Diagnostics criteria. Collection method: clinical testing. Allele origin: unknown.
Comment: The FANCA c.982C>G (p.Leu328Val) variant has not been reported in individuals with FANCA-related conditions in the published literature. The frequency of this variant in the general population, 0.00017 (6/34592 chromosomes (Genome Aggregation Database)), is uninformative in the assessment of its pathogenicity. Analysis of this variant using bioinformatics tools for the prediction of the effect of amino acid changes on protein structure and function yielded conflicting predictions that this variant is benign or damaging. Based on the available information, we are unable to determine the clinical significance of this variant.

Fulgent Genetics
Classification: Uncertain significance for Fanconi anemia complementation group A. Last evaluated: 2021-10-07. Review status: criteria provided, single submitter. Criteria: ACMG Guidelines, 2015. Collection method: clinical testing. Allele origin: unknown.

Natera, Inc.
Classification: Uncertain significance for Fanconi anemia. Last evaluated: 2021-08-24. Review status: no assertion criteria provided. Collection method: clinical testing. Allele origin: germline. Not counted in ClinVar's aggregate classification.

NM_000135.4(FANCA):c.982C>G (p.Leu328Val)

Gene: FANCA (FA complementation group A; minus strand). Cytogenetic location: 16q24.3.
Variant type: single nucleotide variant.
Coding change: c.982C>G on transcript NM_000135.4 (MANE Select); coding-DNA position 982, C replaced by G.
Protein change: p.Leu328Val; replaces leucine 328 with valine.
Molecular consequence: missense variant.
Genome position (GRCh38, 1-based): chr16:89,795,930, G>C on the plus strand (C>G on the coding strand, the complement: FANCA is on the minus strand). VCF-style: chr16-89795930-G-C. GRCh37 (hg19) VCF-style: chr16-89862338-G-C.
Other names: c.982C>G (NM_000135.3); c.982C>G, p.Leu328Val (NM_001286167.3); short protein forms L328V.
Identifiers: ClinVar variation 972253 (VCV000972253.13), dbSNP rs779244841, ClinGen allele CA8252604.
Genomic context (GRCh38, chr16:89,795,930, plus strand): 5'-TGGGTAGCAACTGAGCAGCCTCCACACTGGGCCTACCTTTCAGCACAGGGCTGTGAGTGA[G>C]TATCTGAGTCAGGGTATGACTGAAGAACCTCTTCAGAGGATCTGTGGAAATTACACTGCC-3'
Protein context (NP_000126.2, residues 318-338): RFFSHTLTQI[Leu328Val]THSPVLKASD